The following is an entry in ClinVar:

ClinVar aggregate classification (germline): Likely benign. Review status: criteria provided, single submitter (1 of 4 stars). 2 submissions from 2 submitters: Likely benign (1). 1 of the submissions does not count toward it. Last evaluated 2022-09-19.

Conditions:
FOXP1-related disorder. Also called: FOXP1-related condition.

Allele frequency attached by ClinVar (database versions not stated): ExAC 0.00001; TOPMed 0.00001; gnomAD 0.00003.
gnomAD v4.1: 9 of 1,614,008 alleles (0.00056%); highest among the groups gnomAD compares: Non-Finnish European, 0.00076%; no homozygotes.

Submissions (2):

Labcorp Genetics (formerly Invitae), Labcorp
Classification: Likely benign. Last evaluated: 2022-09-19. Review status: criteria provided, single submitter. Criteria: Invitae Variant Classification Sherloc (09022015). Collection method: clinical testing. Allele origin: germline.

PreventionGenetics, part of Exact Sciences
Classification: Likely benign for FOXP1-related condition. Last evaluated: 2023-08-24. Review status: no assertion criteria provided. Collection method: clinical testing. Allele origin: germline. Not counted in ClinVar's aggregate classification.
Comment: This variant is classified as likely benign based on ACMG/AMP sequence variant interpretation guidelines (Richards et al. 2015 PMID: 25741868, with internal and published modifications).

NM_001349338.3(FOXP1):c.180+7G>T

Gene: FOXP1 (forkhead box P1; minus strand). Cytogenetic location: 3p13.
Variant type: single nucleotide variant.
Coding change: c.180+7G>T on transcript NM_001349338.3 (MANE Select); 7 bases into the intron after coding-DNA position 180, G replaced by T.
Molecular consequence: intron variant.
Genome position (GRCh38, 1-based): chr3:71,198,195, C>A on the plus strand (G>T on the coding strand, the complement: FOXP1 is on the minus strand). VCF-style: chr3-71198195-C-A. GRCh37 (hg19) VCF-style: chr3-71247346-C-A.
Other names: c.180+7G>T (NM_032682.5, NM_001244810.2, NM_032682.6 and 7 more transcripts).
Identifiers: ClinVar variation 2047740 (VCV002047740.6), dbSNP rs766240171, ClinGen allele CA2491433.
Genomic context (GRCh38, chr3:71,198,195, plus strand): 5'-AGTGTAAAATTCAGCAGTAAAATTCGCACCCACCACCTCCACCTCCCAAGACTCCAAAGC[C>A]CAGTACCTGTTGCTGCTGCTGCTGGGCGTGGGCGAGGTCAGCTGCCCCGATGTCCACGGC-3'